The following is an entry in ClinVar:

ClinVar aggregate classification (germline): Conflicting classifications of pathogenicity. Review status: criteria provided, conflicting classifications (1 of 4 stars). 10 submissions from 10 submitters: Uncertain significance (5); Likely benign (4). 1 of the submissions does not count toward it. Last evaluated 2026-10-06.

Conditions:
MYO15A-related disorder. Also called: MYO15A-related condition.
Inborn genetic diseases. Identifiers: MedGen C0950123, MeSH D030342.
Autosomal recessive nonsyndromic hearing loss 3. Also called: NEUROSENSORY NONSYNDROMIC RECESSIVE DEAFNESS 3. Identifiers: Orphanet 90636, MedGen C1838263, MONDO:0010860, OMIM 600316.

Allele frequency attached by ClinVar (database versions not stated): gnomAD 0.00047; gnomAD exomes 0.00047; TOPMed 0.00048; ExAC 0.00053; ESP Exome Variant Server 0.00057; 1000 Genomes Project 0.00080; 1000 Genomes Project 30x 0.00094.
gnomAD v4.1: 942 of 1,613,224 alleles (0.058%); highest among the groups gnomAD compares: Middle Eastern, 0.082%; no homozygotes.

Submissions (10):

GeneDx
Classification: Uncertain significance. Last evaluated: 2026-10-06. Review status: criteria provided, single submitter. Criteria: GeneDx Variant Classification Process June 2021. Collection method: clinical testing. Allele origin: germline.
Comment: In silico analysis suggests that this missense variant does not alter protein structure/function; This variant is associated with the following publications: (PMID: 36672845)

CeGaT Center for Human Genetics Tuebingen
Classification: Uncertain significance. Last evaluated: 2026-04-01. Review status: criteria provided, single submitter. Criteria: CeGaT Center For Human Genetics Tuebingen Variant Classification Criteria Version 2. Collection method: clinical testing. Allele origin: germline. Affected: yes. Observed: 1 variant allele.
Comment: MYO15A: PM2, BP4

Labcorp Genetics (formerly Invitae), Labcorp
Classification: Likely benign. Last evaluated: 2026-01-25. Review status: criteria provided, single submitter. Criteria: Invitae Variant Classification Sherloc (09022015). Collection method: clinical testing. Allele origin: germline.

PreventionGenetics, part of Exact Sciences
Classification: Uncertain significance for MYO15A-related condition. Last evaluated: 2026-01-12. Review status: criteria provided, single submitter. Criteria: ACMG Guidelines, 2015. Collection method: clinical testing. Allele origin: germline.
Comment: The MYO15A c.3203G>T variant is predicted to result in the amino acid substitution p.Cys1068Phe. To our knowledge, this variant has not been reported in the literature. This variant is reported in 0.071% of alleles in individuals of Latino descent in gnomAD. Although we suspect that this variant may be benign, at this time, the clinical significance of this variant is uncertain due to the absence of conclusive functional and genetic evidence.

Ambry Genetics
Classification: Uncertain significance for Inborn genetic diseases. Last evaluated: 2025-08-02. Review status: criteria provided, single submitter. Criteria: Ambry Variant Classification Scheme 2023. Collection method: clinical testing. Allele origin: germline.

Blueprint Genetics
Classification: Likely benign. Last evaluated: 2024-11-23. Review status: criteria provided, single submitter. Criteria: ACMG Guidelines, 2015. Collection method: clinical testing. Allele origin: germline.

ARUP Laboratories, Molecular Genetics and Genomics, ARUP Laboratories
Classification: Likely benign for Autosomal recessive nonsyndromic hearing loss 3. Last evaluated: 2019-12-26. Review status: criteria provided, single submitter. Criteria: ARUP Molecular Germline Variant Investigation Process. Collection method: clinical testing. Allele origin: germline.

Laboratory for Molecular Medicine, Mass General Brigham Personalized Medicine
Classification: Likely benign. Last evaluated: 2019-02-14. Review status: criteria provided, single submitter. Criteria: LMM Criteria. Collection method: clinical testing. Allele origin: germline. Observed: 1 variant allele.
Comment: The p.Cys1068Phe variant in MYO15A is classified as likely benign because it has been identified in 0.07% (86/128286) of European chromosomes by gnomAD, and because computational prediction tools and conservation analysis suggest that this variant may not impact the protein. ACMG/AMP criteria applied: BS1_Supporting, BP4.

Illumina Laboratory Services, Illumina
Classification: Uncertain significance for Autosomal recessive nonsyndromic hearing loss 3. Last evaluated: 2018-01-13. Review status: criteria provided, single submitter. Criteria: ICSL Variant Classification Criteria 13 December 2019. Collection method: clinical testing. Allele origin: germline.

Department of Pathology and Laboratory Medicine, Sinai Health System
Classification: Uncertain significance. Review status: no assertion criteria provided. Collection method: clinical testing. Allele origin: unknown. Affected: yes. Study: The Canadian Open Genetics Repository (COGR). Not counted in ClinVar's aggregate classification.
Comment: The MYO15A p.Cys1068Phe variant was not identified in the literature but was identified in dbSNP (ID: rs189061214) and ClinVar (classified as likely benign by Laboratory for Molecular Medicine). The variant was identified in control databases in 126 of 280466 chromosomes at a frequency of 0.0004493 increasing the likelihood this could be a low frequency benign variant (Genome Aggregation Database March 6, 2019, v2.1.1). The variant was observed in the following populations: Other in 9 of 7136 chromosomes (freq: 0.001261), Latino in 25 of 35370 chromosomes (freq: 0.000707), European (non-Finnish) in 86 of 128286 chromosomes (freq: 0.00067), African in 4 of 24168 chromosomes (freq: 0.000166), Ashkenazi Jewish in 1 of 10342 chromosomes (freq: 0.000097) and South Asian in 1 of 30602 chromosomes (freq: 0.000033), but was not observed in the East Asian or European (Finnish) populations. The p.Cys1068 residue is not conserved in mammals and computational analyses (PolyPhen-2, SIFT, AlignGVGD, BLOSUM, MutationTaster) provide inconsistent predictions regarding the impact to the protein; this information is not very predictive of pathogenicity. The variant occurs outside of the splicing consensus sequence and in silico or computational prediction software programs (SpliceSiteFinder, MaxEntScan, NNSPLICE, GeneSplicer) do not predict a difference in splicing. In summary, based on the above information the clinical significance of this variant cannot be determined with certainty at this time. This variant is classified as a variant of uncertain significance.

NM_016239.4(MYO15A):c.3203G>T (p.Cys1068Phe)

Gene: MYO15A (myosin XVA; plus strand). Cytogenetic location: 17p11.2.
Variant type: single nucleotide variant.
Coding change: c.3203G>T on transcript NM_016239.4 (MANE Select); coding-DNA position 3203, G replaced by T.
Protein change: p.Cys1068Phe; replaces cysteine 1068 with phenylalanine.
Molecular consequence: missense variant.
Genome position (GRCh38, 1-based): chr17:18,122,003, G>T. VCF-style: chr17-18122003-G-T. GRCh37 (hg19) VCF-style: chr17-18025317-G-T.
Other names: short protein forms C1068F.
Identifiers: ClinVar variation 667134 (VCV000667134.37), dbSNP rs189061214, ClinGen allele CA8423406.
Genomic context (GRCh38, chr17:18,122,003, plus strand): 5'-AGGATGTCCTCCCAGAGCAAAAGACATTAAGGCCCAGCCTCTCATACCCACTGGCTGCGT[G>T]TGACCAGACCAGGGCCACATGGCCACCATGGCACCGCTGGGGAACACTGCCCCAAGCCGC-3'
Protein context (NP_057323.3, residues 1058-1078): RPSLSYPLAA[Cys1068Phe]DQTRATWPPW